The following is an entry in ClinVar:

ClinVar aggregate classification (germline): Likely pathogenic (1 of 4 stars; one submission).

Conditions:
Lysinuric protein intolerance (LPI). Identifiers: Orphanet 470, MedGen C0268647, MONDO:0009109, OMIM 222700.

Submission:

Natera, Inc.
Classification: Likely pathogenic for Lysinuric protein intolerance. Last evaluated: 2024-08-21. Review status: criteria provided, single submitter. Criteria: Natera Variant Classification Schema (03/2026). Collection method: clinical testing. Allele origin: germline.
Comment: The c.730del variant in SLC7A7 is a frameshift variant predicted to shift the reading frame beginning at codon 244 and leads to a stop codon 33 codons downstream. This variant is expected to result in nonsense mediated decay, truncation, or a dysfunctional protein product. This variant is rare in the general population with a frequency below the threshold expected for the associated phenotype(s). Given the available evidence, this variant is classified as Likely Pathogenic.

NM_003982.4(SLC7A7):c.730del (p.Thr244fs)

Gene: SLC7A7 (solute carrier family 7 member 7; minus strand). Cytogenetic location: 14q11.2.
Variant type: Deletion.
Coding change: c.730del on transcript NM_003982.4 (MANE Select); coding-DNA position 730, one base deleted (A; older notation c.730delA).
Protein change: p.Thr244fs; shifts the reading frame from threonine 244.
Molecular consequence: frameshift variant.
Genome position (GRCh38, 1-based): chr14:22,778,833, T deleted on the plus strand (A on the coding strand, the reverse complement: SLC7A7 is on the minus strand). VCF-style (leftmost placement, unchanged base first): chr14-22778832-GT-G. GRCh37 (hg19) VCF-style: chr14-23248041-GT-G.
Other names: c.730del, p.Thr244fs (NM_001126105.3, NM_001126106.4); c.730delA, p.Thr244Profs (NM_001126106.2); short protein forms T244fs.
Identifiers: ClinVar variation 4814594 (VCV004814594.1).